The following is an entry in ClinVar:

ClinVar aggregate classification (germline): Likely pathogenic (1 of 4 stars; one submission).

Conditions:
Joubert syndrome 1 (JBTS1). Also called: Cerebellooculorenal syndrome 1; CEREBELLOPARENCHYMAL DISORDER IV. Identifiers: MedGen C4551568, MONDO:0008944, OMIM 213300.

Allele frequency attached by ClinVar (database versions not stated): gnomAD exomes 0.00001.
gnomAD v4.1: 5 of 1,552,040 alleles (0.00032%); highest among the groups gnomAD compares: Non-Finnish European, 0.00044%; no homozygotes.

Submission:

Victorian Clinical Genetics Services, Murdoch Childrens Research Institute
Classification: Likely pathogenic for Joubert syndrome 1. Last evaluated: 2024-10-10. Review status: criteria provided, single submitter. Criteria: ACMG Guidelines, 2015. Collection method: clinical testing. Allele origin: germline. Inheritance: Autosomal recessive inheritance.
Comment: Based on the classification scheme VCGS_Germline_v1.3.2, this variant is classified as Likely pathogenic. Following criteria are met: 0102 - Loss of function is a known mechanism of disease in this gene and is associated with Joubert syndrome 1. (I) 0106 - This gene is associated with autosomal recessive disease. (I) 0200 - Variant is predicted to result in a missense amino acid change from tyrosine to histidine. (I) 0251 - This variant is heterozygous. (I) 0304 - Variant is present in gnomAD v2 <0.01 for a recessive condition (4 heterozygotes, 0 homozygotes). (SP) 0502 - Missense variant with conflicting in silico predictions and uninformative conservation. (I) 0600 - Variant is located in the annotated domain (5-phosphatase domain; PMID: 26748598). (I) 0704 - Another missense variant comparable to the one identified in this case has limited previous evidence for pathogenicity. This variant (p.Tyr588Cys) has been reported as a VUS in a homozygote patient with Joubert syndrome (ClinVar), and also segregated within one large homozygous family with Joubert-like phenotypes, subsequently classified as pathogenic (PMID: 26748598). However, this variant has a greater biochemical change compared to our variant. (I) 0809 - Previous evidence of pathogenicity for this variant is inconclusive. This variant has been reported as a VUS (LOVD). An individual with Joubert syndrome has also been reported a carrier of this variant (PMID: 25920555). (I) 0905 - No published segregation evidence has been identified for this variant. (I) 1007 - No published functional evidence has been identified for this variant. (I) 1102 - Strong phenotype match for this individual. (SP) 1201 - Heterozygous variant detected in trans with a second pathogenic heterozygous variant (p.(Ala76fs*75)) in a recessive disease. (SP) 1208 - Inheritance information for this variant is not currently available in this individual. (I) Legend: (SP) - Supporting pathogenic, (I) - Information, (SB) - Supporting benign

Literature cited by the submitters: PubMed 25920555; PubMed 26748598.

NM_019892.6(INPP5E):c.1762T>C (p.Tyr588His)

Gene: INPP5E (inositol polyphosphate-5-phosphatase E; minus strand). Cytogenetic location: 9q34.3.
Variant type: single nucleotide variant.
Coding change: c.1762T>C on transcript NM_019892.6 (MANE Select); coding-DNA position 1762, T replaced by C.
Protein change: p.Tyr588His; replaces tyrosine 588 with histidine.
Molecular consequence: missense variant.
Genome position (GRCh38, 1-based): chr9:136,430,317, A>G on the plus strand (T>C on the coding strand, the complement: INPP5E is on the minus strand). VCF-style: chr9-136430317-A-G. GRCh37 (hg19) VCF-style: chr9-139324769-A-G.
Other names: c.1759T>C, p.Tyr587His (NM_001318502.2); short protein forms Y587H, Y588H.
Identifiers: ClinVar variation 1805381 (VCV001805381.2), dbSNP rs1308391041, ClinGen allele CA375561171.